The following is an entry in ClinVar:

ClinVar aggregate classification (germline): Uncertain significance (1 of 4 stars; one submission).

Submission:

Labcorp Genetics (formerly Invitae), Labcorp
Classification: Uncertain significance. Last evaluated: 2022-05-29. Review status: criteria provided, single submitter. Criteria: Invitae Variant Classification Sherloc (09022015). Collection method: clinical testing. Allele origin: germline.
Comment: This sequence change replaces histidine, which is basic and polar, with tyrosine, which is neutral and polar, at codon 963 of the GUCY2C protein (p.His963Tyr). This variant is not present in population databases (gnomAD no frequency). This variant has not been reported in the literature in individuals affected with GUCY2C-related conditions. Algorithms developed to predict the effect of missense changes on protein structure and function are either unavailable or do not agree on the potential impact of this missense change (SIFT: "Deleterious"; PolyPhen-2: "Probably Damaging"; Align-GVGD: "Class C0"). In summary, the available evidence is currently insufficient to determine the role of this variant in disease. Therefore, it has been classified as a Variant of Uncertain Significance.

NM_004963.4(GUCY2C):c.2887C>T (p.His963Tyr)

Genes: GUCY2C (guanylate cyclase 2C; minus strand), PLBD1-AS1 (PLBD1 antisense RNA 1; plus strand). Cytogenetic location: 12p12.3.
Variant type: single nucleotide variant.
Coding change: c.2887C>T on transcript NM_004963.4 (MANE Select); coding-DNA position 2887, C replaced by T.
Protein change: p.His963Tyr; replaces histidine 963 with tyrosine.
Molecular consequence: missense variant.
Genome position (GRCh38, 1-based): chr12:14,616,716, G>A on the plus strand (C>T on the coding strand, the complement: GUCY2C is on the minus strand). VCF-style: chr12-14616716-G-A. GRCh37 (hg19) VCF-style: chr12-14769650-G-A.
Other names: short protein forms H963Y.
Identifiers: ClinVar variation 2132178 (VCV002132178.4), dbSNP rs2497590453, ClinGen allele CA383991515.